The following is an entry in ClinVar:

NM_201384.3(PLEC):c.5457G>A (p.Leu1819=)

Gene: PLEC (plectin; minus strand). Cytogenetic location: 8q24.3.
Variant type: single nucleotide variant.
Coding change: c.5457G>A on transcript NM_201384.3 (MANE Select); coding-DNA position 5457, G replaced by A.
Protein change: p.Leu1819=; no amino-acid change (leucine 1819 retained).
Molecular consequence: synonymous variant. On other transcripts: intron variant (1).
Genome position (GRCh38, 1-based): chr8:143,924,472, C>T on the plus strand (G>A on the coding strand, the complement: PLEC is on the minus strand). VCF-style: chr8-143924472-C-T. GRCh37 (hg19) VCF-style: chr8-144998640-C-T.
Other names: c.5538G>A, p.Leu1846= (NM_000445.5); c.5415G>A, p.Leu1805= (NM_201378.4); c.5391G>A, p.Leu1797= (NM_201379.3); c.5868G>A, p.Leu1956= (NM_201380.4); c.5361G>A, p.Leu1787= (NM_201381.3); c.5457G>A, p.Leu1819= (NM_201382.4); c.5469G>A, p.Leu1823= (NM_201383.3); c.4126-2077G>A (NM_001410941.1).
Identifiers: ClinVar variation 3039342 (VCV003039342.2), dbSNP rs781971340, ClinGen allele CA4926361.

ClinVar aggregate classification (germline): Likely benign (0 of 4 stars; one submission).

Conditions:
PLEC-related disorder. Also called: PLEC-related disorders; PLEC-related condition.

Allele frequency attached by ClinVar (database versions not stated): gnomAD exomes below 0.00001; ExAC 0.00003; TOPMed 0.00003; gnomAD 0.00005; 1000 Genomes Project 30x 0.00031.
gnomAD v4.1: 11 of 1,544,442 alleles (0.00071%); highest among the groups gnomAD compares: African/African-American, 0.013%; no homozygotes.

Submission:

PreventionGenetics, part of Exact Sciences
Classification: Likely benign for PLEC-related condition. Last evaluated: 2019-05-28. Review status: no assertion criteria provided. Collection method: clinical testing. Allele origin: germline.
Comment: This variant is classified as likely benign based on ACMG/AMP sequence variant interpretation guidelines (Richards et al. 2015 PMID: 25741868, with internal and published modifications).